The following is an entry in ClinVar:

NM_001178020.3(BEAN1):c.206G>A (p.Arg69Gln)

Gene: BEAN1 (brain expressed associated with NEDD4 1; plus strand). Cytogenetic location: 16q21.
Variant type: single nucleotide variant.
Coding change: c.206G>A on transcript NM_001178020.3 (MANE Select); coding-DNA position 206, G replaced by A.
Protein change: p.Arg69Gln; replaces arginine 69 with glutamine.
Molecular consequence: missense variant. On other transcripts: 5 prime UTR variant (2).
Genome position (GRCh38, 1-based): chr16:66,469,782, G>A. VCF-style: chr16-66469782-G-A. GRCh37 (hg19) VCF-style: chr16-66503685-G-A.
Other names: c.-122G>A (NM_001136106.5, NM_001197224.4); short protein forms R69Q.
Identifiers: ClinVar variation 2399206 (VCV002399206.5), dbSNP rs778201206, ClinGen allele CA8093392.

ClinVar aggregate classification (germline): Conflicting classifications of pathogenicity. Review status: criteria provided, conflicting classifications (1 of 4 stars). 3 submissions from 3 submitters: Uncertain significance (2); Likely benign (1). Last evaluated 2025-11-17.

Allele frequency attached by ClinVar (database versions not stated): gnomAD exomes 0.00003; gnomAD 0.00011; TOPMed 0.00014; 1000 Genomes Project 30x 0.00016; ExAC 0.00016.
gnomAD v4.1: 65 of 1,535,808 alleles (0.0042%); highest among the groups gnomAD compares: Admixed American, 0.018%; no homozygotes.

Submissions (3):

Women's Health and Genetics/Laboratory Corporation of America, LabCorp
Classification: Uncertain significance. Last evaluated: 2025-11-17. Review status: criteria provided, single submitter. Criteria: LabCorp Variant Classification Summary - May 2015. Collection method: clinical testing. Allele origin: germline.
Comment: Variant summary: BEAN1 c.206G>A (p.Arg69Gln) results in a conservative amino acid change in the encoded protein sequence. Algorithms developed to predict the effect of missense changes on protein structure and function all suggest that this variant is likely to be tolerated. The variant allele was found at a frequency of 5.8e-05 in 138120 control chromosomes. The available data on variant occurrences in the general population are insufficient to allow any conclusion about variant significance. To our knowledge, no occurrence of c.206G>A in individuals affected with BEAN1-related conditions and no experimental evidence demonstrating its impact on protein function have been reported. ClinVar contains an entry for this variant (Variation ID: 2399206). Based on the evidence outlined above, the variant was classified as uncertain significance.

Ambry Genetics
Classification: Uncertain significance. Last evaluated: 2024-07-14. Review status: criteria provided, single submitter. Criteria: Ambry Variant Classification Scheme 2023. Collection method: clinical testing. Allele origin: germline.

Blueprint Genetics
Classification: Likely benign. Last evaluated: 2024-04-23. Review status: criteria provided, single submitter. Criteria: ACMG Guidelines, 2015. Collection method: clinical testing. Allele origin: germline.